The following is an entry in ClinVar:

NM_020964.3(EPG5):c.3115G>A (p.Ala1039Thr)

Gene: EPG5 (ectopic P-granules 5 autophagy tethering factor; minus strand). Cytogenetic location: 18q21.1.
Variant type: single nucleotide variant.
Coding change: c.3115G>A on transcript NM_020964.3 (MANE Select); coding-DNA position 3115, G replaced by A.
Protein change: p.Ala1039Thr; replaces alanine 1039 with threonine.
Molecular consequence: missense variant.
Genome position (GRCh38, 1-based): chr18:45,917,803, C>T on the plus strand (G>A on the coding strand, the complement: EPG5 is on the minus strand). VCF-style: chr18-45917803-C-T. GRCh37 (hg19) VCF-style: chr18-43497768-C-T.
Other names: c.3115G>A, p.Ala1039Thr (NM_001410858.1, NM_001410859.1); short protein forms A1039T.
Identifiers: ClinVar variation 2110064 (VCV002110064.4), dbSNP rs2511835618, ClinGen allele CA402343750.

ClinVar aggregate classification (germline): Uncertain significance (1 of 4 stars; one submission).

Conditions:
Vici syndrome (VICIS). Identifiers: Orphanet 1493, MedGen C1855772, MONDO:0009452, OMIM 242840.

Submission:

Labcorp Genetics (formerly Invitae), Labcorp
Classification: Uncertain significance for Vici syndrome. Last evaluated: 2022-11-01. Review status: criteria provided, single submitter. Criteria: Invitae Variant Classification Sherloc (09022015). Collection method: clinical testing. Allele origin: germline.
Comment: This variant has not been reported in the literature in individuals affected with EPG5-related conditions. In summary, the available evidence is currently insufficient to determine the role of this variant in disease. Therefore, it has been classified as a Variant of Uncertain Significance. Advanced modeling of protein sequence and biophysical properties (such as structural, functional, and spatial information, amino acid conservation, physicochemical variation, residue mobility, and thermodynamic stability) performed at Invitae indicates that this missense variant is not expected to disrupt EPG5 protein function. This variant is not present in population databases (gnomAD no frequency). This sequence change replaces alanine, which is neutral and non-polar, with threonine, which is neutral and polar, at codon 1039 of the EPG5 protein (p.Ala1039Thr).